The following is an entry in ClinVar:

ClinVar aggregate classification (germline): Pathogenic. Review status: criteria provided, multiple submitters, no conflicts (2 of 4 stars). 2 submissions from 2 submitters: Pathogenic (2). Last evaluated 2024-07-15.

Conditions:
Kabuki syndrome. Also called: NIIKAWA-KUROKI SYNDROME; Kabuki make-up syndrome. Identifiers: Orphanet 2322, MedGen C0796004, MONDO:0016512.
Kabuki syndrome 1 (KABUK1). Also called: KMT2D-Related Kabuki Syndrome. Identifiers: Orphanet 2322, MedGen CN030661, MONDO:0007843, OMIM 147920.

Submissions (2):

Institute of Human Genetics, Clinical Exome/Genome Diagnostics Group, University Hospital Bonn
Classification: Pathogenic for Kabuki syndrome 1. Last evaluated: 2024-07-15. Review status: criteria provided, single submitter. Criteria: ACMG Guidelines, 2015. Collection method: clinical testing. Allele origin: de novo. Affected: yes.

Labcorp Genetics (formerly Invitae), Labcorp
Classification: Pathogenic for Kabuki syndrome. Last evaluated: 2021-10-17. Review status: criteria provided, single submitter. Criteria: Invitae Variant Classification Sherloc (09022015). Collection method: clinical testing. Allele origin: germline.
Comment: This sequence change affects a donor splice site in intron 38 of the KMT2D gene. It is expected to disrupt RNA splicing. Variants that disrupt the donor or acceptor splice site typically lead to a loss of protein function (PMID: 16199547), and loss-of-function variants in KMT2D are known to be pathogenic (PMID: 22126750). For these reasons, this variant has been classified as Pathogenic. Algorithms developed to predict the effect of sequence changes on RNA splicing suggest that this variant may disrupt the consensus splice site. Disruption of this splice site has been observed in individual(s) with clinical features of Kabuki syndrome (PMID: 29304373; Invitae). In at least one individual the variant was observed to be de novo. This variant is not present in population databases (ExAC no frequency).

Literature cited by the submitters: PubMed 16199547 (cited by Labcorp Genetics (formerly Invitae), Labcorp); PubMed 22126750 (cited by Labcorp Genetics (formerly Invitae), Labcorp); PubMed 29304373 (cited by Labcorp Genetics (formerly Invitae), Labcorp).

NM_003482.4(KMT2D):c.10740+1G>A

Gene: KMT2D (lysine methyltransferase 2D; minus strand). Cytogenetic location: 12q13.12.
Variant type: single nucleotide variant.
Coding change: c.10740+1G>A on transcript NM_003482.4 (MANE Select); the canonical splice donor site of the intron after coding-DNA position 10740, G replaced by A.
Molecular consequence: splice donor variant.
Genome position (GRCh38, 1-based): chr12:49,034,066, C>T on the plus strand (G>A on the coding strand, the complement: KMT2D is on the minus strand). VCF-style: chr12-49034066-C-T. GRCh37 (hg19) VCF-style: chr12-49427849-C-T.
Identifiers: ClinVar variation 1458717 (VCV001458717.7), dbSNP rs2120450900, ClinGen allele CA384726800.
Genomic context (GRCh38, chr12:49,034,066, plus strand): 5'-CCCCCATGCCAACCCTCTTCCCTGCCTTCTGGGTGCTAGGCTGAAGTTTGCTTTCCCCCA[C>T]CTGATCCAGTTGTTTCTGGATCTTGCTCTGCTGCTCTGTAACCAGCTTGAGCTTCTCAGC-3'